The following is an entry in ClinVar:

ClinVar aggregate classification (germline): Uncertain significance. Review status: criteria provided, multiple submitters, no conflicts (2 of 4 stars). 4 submissions from 4 submitters: Uncertain significance (4). Last evaluated 2025-11-18.

Conditions:
Rhabdoid tumor predisposition syndrome 2 (RTPS2). Identifiers: Orphanet 231108, Orphanet 69077, MedGen C2750074, MONDO:0013224, OMIM 613325.
Otosclerosis 12. Identifiers: MedGen C5935610, MONDO:0968980, OMIM 620792.
Intellectual disability, autosomal dominant 16 (CSS4). Also called: COFFIN-SIRIS SYNDROME 4. Identifiers: Orphanet 1465, MedGen C3553249, MONDO:0013821, OMIM 614609.
Hereditary cancer-predisposing syndrome. Also called: Neoplastic Syndromes, Hereditary; Hereditary neoplastic syndrome; Tumor predisposition; Hereditary Cancer Syndrome. Identifiers: Orphanet 140162, MedGen C0027672, MeSH D009386, MONDO:0015356.

Allele frequency attached by ClinVar (database versions not stated): TOPMed below 0.00001; gnomAD exomes 0.00001.
gnomAD v4.1: 21 of 1,613,524 alleles (0.0013%); highest among the groups gnomAD compares: Non-Finnish European, 0.0017%; no homozygotes.

Submissions (4):

Labcorp Genetics (formerly Invitae), Labcorp
Classification: Uncertain significance for Rhabdoid tumor predisposition syndrome 2. Last evaluated: 2025-11-18. Review status: criteria provided, single submitter. Criteria: Invitae Variant Classification Sherloc (09022015). Collection method: clinical testing. Allele origin: germline.
Comment: This sequence change replaces serine, which is neutral and polar, with proline, which is neutral and non-polar, at codon 78 of the SMARCA4 protein (p.Ser78Pro). This variant is not present in population databases (gnomAD no frequency). This variant has not been reported in the literature in individuals affected with SMARCA4-related conditions. ClinVar contains an entry for this variant (Variation ID: 238401). Invitae Evidence Modeling of protein sequence and biophysical properties (such as structural, functional, and spatial information, amino acid conservation, physicochemical variation, residue mobility, and thermodynamic stability) indicates that this missense variant is not expected to disrupt SMARCA4 protein function with a negative predictive value of 95%. In summary, the available evidence is currently insufficient to determine the role of this variant in disease. Therefore, it has been classified as a Variant of Uncertain Significance.

Ambry Genetics
Classification: Uncertain significance for Hereditary cancer-predisposing syndrome. Last evaluated: 2025-01-28. Review status: criteria provided, single submitter. Criteria: Ambry Variant Classification Scheme 2023. Collection method: clinical testing. Allele origin: germline.
Comment: The p.S78P variant (also known as c.232T>C), located in coding exon 2 of the SMARCA4 gene, results from a T to C substitution at nucleotide position 232. The serine at codon 78 is replaced by proline, an amino acid with similar properties. This amino acid position is not well conserved in available vertebrate species. In addition, the in silico prediction for this alteration is inconclusive. Based on the available evidence, the clinical significance of this variant remains unclear.

Quest Diagnostics Nichols Institute San Juan Capistrano
Classification: Uncertain significance. Last evaluated: 2024-12-02. Review status: criteria provided, single submitter. Criteria: Quest Diagnostics criteria. Collection method: clinical testing. Allele origin: unknown.
Comment: The SMARCA4 c.232T>C (p.Ser78Pro) variant has been reported in the published literature in an individual with unspecified skin cancer (PMID: 33144586 (2020)). This variant has not been reported in large, multi-ethnic general populations (Genome Aggregation Database). Analysis of this variant using bioinformatics tools for the prediction of the effect of amino acid changes on protein structure and function yielded predictions that this variant is benign. Based on the available information, we are unable to determine the clinical significance of this variant.

Fulgent Genetics
Classification: Uncertain significance for Rhabdoid tumor predisposition syndrome 2; Intellectual disability, autosomal dominant 16; Otosclerosis 12. Last evaluated: 2024-04-16. Review status: criteria provided, single submitter. Criteria: ACMG Guidelines, 2015. Collection method: clinical testing. Allele origin: germline.

Literature cited by the submitters: PubMed 33144586 (cited by Quest Diagnostics Nichols Institute San Juan Capistrano).

NM_003072.5(SMARCA4):c.232T>C (p.Ser78Pro)

Gene: SMARCA4 (SWI/SNF related BAF chromatin remodeling complex subunit ATPase 4; plus strand). Cytogenetic location: 19p13.2.
Variant type: single nucleotide variant.
Coding change: c.232T>C on transcript NM_003072.5 (MANE Select); coding-DNA position 232, T replaced by C.
Protein change: p.Ser78Pro; replaces serine 78 with proline.
Molecular consequence: missense variant. On other transcripts: non-coding transcript variant (1).
Genome position (GRCh38, 1-based): chr19:10,985,282, T>C. VCF-style: chr19-10985282-T-C. GRCh37 (hg19) VCF-style: chr19-11095958-T-C.
Other names: c.232T>C, p.Ser78Pro (NM_001128844.3, NM_001128845.2, NM_001128846.2 and 5 more transcripts); c.232T>C (NM_001128849.2); short protein forms S78P.
Identifiers: ClinVar variation 238401 (VCV000238401.20), dbSNP rs878854207, ClinGen allele CA10583711.